The following is an entry in ClinVar:

NM_000340.2(SLC2A2):c.666_667del (p.Gly223fs)

Gene: SLC2A2 (solute carrier family 2 member 2; minus strand). Cytogenetic location: 3q26.2.
Variant type: Deletion.
Coding change: c.666_667del on transcript NM_000340.2 (MANE Select); coding-DNA positions 666 to 667, 2 bases deleted (TG; older notation c.666_667delTG).
Protein change: p.Gly223fs; shifts the reading frame from glycine 223.
Molecular consequence: frameshift variant.
Genome position (GRCh38, 1-based): chr3:171,006,051-171,006,052, CA deleted on the plus strand (TG on the coding strand, the reverse complement: SLC2A2 is on the minus strand). VCF-style (leftmost placement, unchanged base first): chr3-171006050-CCA-C. GRCh37 (hg19) VCF-style: chr3-170723839-CCA-C.
Other names: c.309_310del, p.Gly104fs (NM_001278658.2); c.147_148del, p.Gly50fs (NM_001278659.2); short protein forms G223fs, G50fs, G104fs.
Identifiers: ClinVar variation 3647230 (VCV003647230.2).

ClinVar aggregate classification (germline): Pathogenic (1 of 4 stars; one submission).

Conditions:
Fanconi-Bickel syndrome (FBS). Also called: FANCONI SYNDROME WITH INTESTINAL MALABSORPTION AND GALACTOSE INTOLERANCE; HEPATIC GLYCOGENOSIS WITH AMINO ACIDURIA AND GLUCOSURIA; HEPATIC GLYCOGENOSIS WITH FANCONI NEPHROPATHY; HEPATORENAL GLYCOGENOSIS WITH RENAL FANCONI SYNDROME; PSEUDO-PHLORIZIN DIABETES; Glycogen storage disease due to GLUT2 deficiency. Identifiers: Orphanet 2088, MedGen C3495427, MONDO:0009216, OMIM 227810.

Submission:

Labcorp Genetics (formerly Invitae), Labcorp
Classification: Pathogenic for Fanconi-Bickel syndrome. Last evaluated: 2024-03-21. Review status: criteria provided, single submitter. Criteria: Invitae Variant Classification Sherloc (09022015). Collection method: clinical testing. Allele origin: germline.
Comment: This sequence change creates a premature translational stop signal (p.Gly223Profs*29) in the SLC2A2 gene. It is expected to result in an absent or disrupted protein product. Loss-of-function variants in SLC2A2 are known to be pathogenic (PMID: 11810292). This variant is not present in population databases (gnomAD no frequency). This variant has not been reported in the literature in individuals affected with SLC2A2-related conditions. For these reasons, this variant has been classified as Pathogenic.

Literature cited by the submitters: PubMed 11810292.